The following is an entry in ClinVar:

ClinVar aggregate classification (germline): Uncertain significance (1 of 4 stars; one submission).

Submission:

Labcorp Genetics (formerly Invitae), Labcorp
Classification: Uncertain significance. Last evaluated: 2022-11-15. Review status: criteria provided, single submitter. Criteria: Invitae Variant Classification Sherloc (09022015). Collection method: clinical testing. Allele origin: germline.
Comment: In summary, the available evidence is currently insufficient to determine the role of this variant in disease. Therefore, it has been classified as a Variant of Uncertain Significance. Algorithms developed to predict the effect of missense changes on protein structure and function are either unavailable or do not agree on the potential impact of this missense change (SIFT: "Tolerated"; PolyPhen-2: "Probably Damaging"; Align-GVGD: "Class C0"). This variant has not been reported in the literature in individuals affected with ATR-related conditions. This variant is not present in population databases (gnomAD no frequency). This sequence change replaces leucine, which is neutral and non-polar, with proline, which is neutral and non-polar, at codon 2429 of the ATR protein (p.Leu2429Pro).

NM_001184.4(ATR):c.7286T>C (p.Leu2429Pro)

Gene: ATR (ATR checkpoint kinase; minus strand). Cytogenetic location: 3q23.
Variant type: single nucleotide variant.
Coding change: c.7286T>C on transcript NM_001184.4 (MANE Select); coding-DNA position 7286, T replaced by C.
Protein change: p.Leu2429Pro; replaces leucine 2429 with proline.
Molecular consequence: missense variant.
Genome position (GRCh38, 1-based): chr3:142,459,290, A>G on the plus strand (T>C on the coding strand, the complement: ATR is on the minus strand). VCF-style: chr3-142459290-A-G. GRCh37 (hg19) VCF-style: chr3-142178132-A-G.
Other names: c.7094T>C, p.Leu2365Pro (NM_001354579.2); short protein forms L2365P, L2429P.
Identifiers: ClinVar variation 2811124 (VCV002811124.3), dbSNP rs2108261599, ClinGen allele CA354797437.